The following is an entry in ClinVar:

NM_004560.4(ROR2):c.2632C>G (p.Pro878Ala)

Gene: ROR2 (ROR family WNT receptor 2; minus strand). Cytogenetic location: 9q22.31.
Variant type: single nucleotide variant.
Coding change: c.2632C>G on transcript NM_004560.4 (MANE Select); coding-DNA position 2632, C replaced by G.
Protein change: p.Pro878Ala; replaces proline 878 with alanine.
Molecular consequence: missense variant.
Genome position (GRCh38, 1-based): chr9:91,723,862, G>C on the plus strand (C>G on the coding strand, the complement: ROR2 is on the minus strand). VCF-style: chr9-91723862-G-C. GRCh37 (hg19) VCF-style: chr9-94486144-G-C.
Other names: short protein forms P878A.
Identifiers: ClinVar variation 2636869 (VCV002636869.3), dbSNP rs1836888050, ClinGen allele CA373793412.

ClinVar aggregate classification (germline): Uncertain significance. Review status: criteria provided, multiple submitters, no conflicts (2 of 4 stars). 2 submissions from 2 submitters: Uncertain significance (2). Last evaluated 2025-01-01.

Conditions:
ROR2-related disorder. Also called: ROR2-related disorders; ROR2-related condition.

Allele frequency attached by ClinVar (database versions not stated): gnomAD exomes 0.00001.
gnomAD v4.1: 4 of 1,614,060 alleles (0.00025%); highest among the groups gnomAD compares: Middle Eastern, 0.066%; 1 homozygote.

Submissions (2):

Labcorp Genetics (formerly Invitae), Labcorp
Classification: Uncertain significance. Last evaluated: 2025-01-01. Review status: criteria provided, single submitter. Criteria: Invitae Variant Classification Sherloc (09022015). Collection method: clinical testing. Allele origin: germline.
Comment: This sequence change replaces proline, which is neutral and non-polar, with alanine, which is neutral and non-polar, at codon 878 of the ROR2 protein (p.Pro878Ala). This variant is not present in population databases (gnomAD no frequency). This variant has not been reported in the literature in individuals affected with ROR2-related conditions. ClinVar contains an entry for this variant (Variation ID: 2636869). Invitae Evidence Modeling of protein sequence and biophysical properties (such as structural, functional, and spatial information, amino acid conservation, physicochemical variation, residue mobility, and thermodynamic stability) indicates that this missense variant is not expected to disrupt ROR2 protein function with a negative predictive value of 95%. In summary, the available evidence is currently insufficient to determine the role of this variant in disease. Therefore, it has been classified as a Variant of Uncertain Significance.

PreventionGenetics, part of Exact Sciences
Classification: Uncertain significance for ROR2-related condition. Last evaluated: 2023-09-06. Review status: criteria provided, single submitter. Criteria: ACMG Guidelines, 2015. Collection method: clinical testing. Allele origin: germline.
Comment: The ROR2 c.2632C>G variant is predicted to result in the amino acid substitution p.Pro878Ala. To our knowledge, this variant has not been reported in the literature or in a large population database, indicating this variant is rare. At this time, the clinical significance of this variant is uncertain due to the absence of conclusive functional and genetic evidence.